The following is an entry in ClinVar:

ClinVar aggregate classification (germline): Uncertain significance. Review status: criteria provided, multiple submitters, no conflicts (2 of 4 stars). 3 submissions from 3 submitters: Uncertain significance (3). Last evaluated 2025-06-24.

Conditions:
Inborn genetic diseases. Identifiers: MedGen C0950123, MeSH D030342.

Allele frequency attached by ClinVar (database versions not stated): gnomAD exomes below 0.00001 and 0.00002; gnomAD 0.00001; TOPMed 0.00002; ExAC 0.00003; ESP Exome Variant Server 0.00009.
gnomAD v4.1: 6 of 1,197,801 alleles (0.0005%); highest among the groups gnomAD compares: Non-Finnish European, 0.00057%; no homozygotes.

Submissions (3):

Ambry Genetics
Classification: Uncertain significance for Inborn genetic diseases. Last evaluated: 2025-06-24. Review status: criteria provided, single submitter. Criteria: Ambry Variant Classification Scheme 2023. Collection method: clinical testing. Allele origin: germline.

Labcorp Genetics (formerly Invitae), Labcorp
Classification: Uncertain significance. Last evaluated: 2024-04-25. Review status: criteria provided, single submitter. Criteria: Invitae Variant Classification Sherloc (09022015). Collection method: clinical testing. Allele origin: germline.
Comment: This sequence change replaces isoleucine, which is neutral and non-polar, with valine, which is neutral and non-polar, at codon 682 of the HUWE1 protein (p.Ile682Val). This variant is present in population databases (rs147812278, gnomAD 0.003%). This variant has not been reported in the literature in individuals affected with HUWE1-related conditions. ClinVar contains an entry for this variant (Variation ID: 1195598). Advanced modeling of protein sequence and biophysical properties (such as structural, functional, and spatial information, amino acid conservation, physicochemical variation, residue mobility, and thermodynamic stability) has been performed at Invitae for this missense variant, however the output from this modeling did not meet the statistical confidence thresholds required to predict the impact of this variant on HUWE1 protein function. In summary, the available evidence is currently insufficient to determine the role of this variant in disease. Therefore, it has been classified as a Variant of Uncertain Significance.

GeneDx
Classification: Uncertain significance. Last evaluated: 2021-01-20. Review status: criteria provided, single submitter. Criteria: GeneDx Variant Classification Process June 2021. Collection method: clinical testing. Allele origin: germline. Affected: yes.
Comment: In silico analysis, which includes protein predictors and evolutionary conservation, supports that this variant does not alter protein structure/function; Has not been previously published as pathogenic or benign to our knowledge; Not observed at a significant frequency in large population cohorts (Lek et al., 2016)

NM_031407.7(HUWE1):c.2044A>G (p.Ile682Val)

Gene: HUWE1 (HECT, UBA and WWE domain containing E3 ubiquitin protein ligase 1; minus strand). Cytogenetic location: Xp11.22.
Variant type: single nucleotide variant.
Coding change: c.2044A>G on transcript NM_031407.7 (MANE Select); coding-DNA position 2044, A replaced by G.
Protein change: p.Ile682Val; replaces isoleucine 682 with valine.
Molecular consequence: missense variant.
Genome position (GRCh38, 1-based): chrX:53,615,749, T>C on the plus strand (A>G on the coding strand, the complement: HUWE1 is on the minus strand). VCF-style: chrX-53615749-T-C. GRCh37 (hg19) VCF-style: chrX-53642710-T-C.
Other names: short protein forms I682V.
Identifiers: ClinVar variation 1195598 (VCV001195598.6), dbSNP rs147812278, ClinGen allele CA10422766.